The following is an entry in ClinVar:

NM_007272.3(CTRC):c.685T>A (p.Trp229Arg)

Gene: CTRC (chymotrypsin C; plus strand). Cytogenetic location: 1p36.21.
Variant type: single nucleotide variant.
Coding change: c.685T>A on transcript NM_007272.3 (MANE Select); coding-DNA position 685, T replaced by A.
Protein change: p.Trp229Arg; replaces tryptophan 229 with arginine.
Molecular consequence: missense variant.
Genome position (GRCh38, 1-based): chr1:15,445,642, T>A. VCF-style: chr1-15445642-T-A. GRCh37 (hg19) VCF-style: chr1-15772137-T-A.
Other names: short protein forms W229R.
Identifiers: ClinVar variation 4560235 (VCV004560235.1).

ClinVar aggregate classification (germline): Uncertain significance (1 of 4 stars; one submission).

Conditions:
Hereditary pancreatitis (PCTT). Also called: Hereditary chronic pancreatitis; PRSS1-Related Hereditary Pancreatitis. Identifiers: Orphanet 676, MedGen C0238339, MONDO:0008185, OMIM 167800.

Submission:

Ambry Genetics
Classification: Uncertain significance for Hereditary pancreatitis. Last evaluated: 2025-11-05. Review status: criteria provided, single submitter. Criteria: Ambry Variant Classification Scheme 2023. Collection method: clinical testing. Allele origin: germline.
Comment: The p.W229R variant (also known as c.685T>A), located in coding exon 7 of the CTRC gene, results from a T to A substitution at nucleotide position 685. The tryptophan at codon 229 is replaced by arginine, an amino acid with dissimilar properties. This amino acid position is conserved. In addition, this alteration is predicted to be deleterious by in silico analysis. Based on the available evidence, the clinical significance of this variant remains unclear.